The following is an entry in ClinVar:

ClinVar aggregate classification (germline): Uncertain significance (1 of 4 stars; one submission).

gnomAD v4.1: 1 of 1,609,508 alleles (0.000062%); highest among the groups gnomAD compares: Admixed American, 0.0017%; no homozygotes.

Submission:

Labcorp Genetics (formerly Invitae), Labcorp
Classification: Uncertain significance. Last evaluated: 2025-11-19. Review status: criteria provided, single submitter. Criteria: Invitae Variant Classification Sherloc (09022015). Collection method: clinical testing. Allele origin: germline.
Comment: This sequence change replaces arginine, which is basic and polar, with glycine, which is neutral and non-polar, at codon 40 of the DSTYK protein (p.Arg40Gly). This variant is present in population databases (no rsID available, gnomAD 0.003%). This variant has not been reported in the literature in individuals affected with DSTYK-related conditions. An algorithm developed to predict the effect of missense changes on protein structure and function (PolyPhen-2) suggests that this variant is likely to be disruptive. In summary, the available evidence is currently insufficient to determine the role of this variant in disease. Therefore, it has been classified as a Variant of Uncertain Significance.

NM_015375.3(DSTYK):c.118C>G (p.Arg40Gly)

Gene: DSTYK (dual serine/threonine and tyrosine protein kinase; minus strand). Cytogenetic location: 1q32.1.
Variant type: single nucleotide variant.
Coding change: c.118C>G on transcript NM_015375.3 (MANE Select); coding-DNA position 118, C replaced by G.
Protein change: p.Arg40Gly; replaces arginine 40 with glycine.
Molecular consequence: missense variant.
Genome position (GRCh38, 1-based): chr1:205,211,418, G>C on the plus strand (C>G on the coding strand, the complement: DSTYK is on the minus strand). VCF-style: chr1-205211418-G-C. GRCh37 (hg19) VCF-style: chr1-205180546-G-C.
Other names: c.118C>G, p.Arg40Gly (NM_199462.3); short protein forms R40G.
Identifiers: ClinVar variation 4707110 (VCV004707110.1).